The following is an entry in ClinVar:

ClinVar aggregate classification (germline): Uncertain significance (1 of 4 stars; one submission).

Submission:

Labcorp Genetics (formerly Invitae), Labcorp
Classification: Uncertain significance. Last evaluated: 2025-06-12. Review status: criteria provided, single submitter. Criteria: Invitae Variant Classification Sherloc (09022015). Collection method: clinical testing. Allele origin: germline.
Comment: This sequence change replaces glycine, which is neutral and non-polar, with alanine, which is neutral and non-polar, at codon 692 of the COL4A3 protein (p.Gly692Ala). This variant is not present in population databases (gnomAD no frequency). This variant has not been reported in the literature in individuals affected with COL4A3-related conditions. ClinVar contains an entry for this variant (Variation ID: 1970200). Invitae Evidence Modeling of protein sequence and biophysical properties (such as structural, functional, and spatial information, amino acid conservation, physicochemical variation, residue mobility, and thermodynamic stability) indicates that this missense variant is expected to disrupt COL4A3 protein function with a positive predictive value of 80%. In summary, the available evidence is currently insufficient to determine the role of this variant in disease. Therefore, it has been classified as a Variant of Uncertain Significance.

NM_000091.5(COL4A3):c.2075G>C (p.Gly692Ala)

Genes: COL4A3 (collagen type IV alpha 3 chain; plus strand), MFF-DT (MFF divergent transcript; minus strand). Cytogenetic location: 2q36.3.
Variant type: single nucleotide variant.
Coding change: c.2075G>C on transcript NM_000091.5 (MANE Select); coding-DNA position 2075, G replaced by C.
Protein change: p.Gly692Ala; replaces glycine 692 with alanine.
Molecular consequence: missense variant.
Genome position (GRCh38, 1-based): chr2:227,277,503, G>C. VCF-style: chr2-227277503-G-C. GRCh37 (hg19) VCF-style: chr2-228142219-G-C.
Other names: short protein forms G692A.
Identifiers: ClinVar variation 1970200 (VCV001970200.5), dbSNP rs2469731979, ClinGen allele CA350846902.
Genomic context (GRCh38, chr2:227,277,503, plus strand): 5'-TCTAAGGTATCCCTGGATCCCTGGGGAAATGTGGAGATCCTGGTCTTCCAGGGCCTGATG[G>C]TGAACCAGGAATTCCAGGAATTGGATTTCCTGGGCCTCCTGGACCTAAGGGTAAATTTAA-3'
Protein context (NP_000082.2, residues 682-702): CGDPGLPGPD[Gly692Ala]EPGIPGIGFP